The following is an entry in ClinVar:

ClinVar aggregate classification (germline): Uncertain significance (1 of 4 stars; one submission).

Conditions:
Vanishing white matter disease. Also called: Childhood ataxia with diffuse central nervous system hypomyelination; Leukoencephalopathy with vanishing white matter; CACH/VWM syndrome; Cree leukoencehalopathy; CACH syndrome. Identifiers: Orphanet 135, Orphanet 99853, MedGen C1858991, MONDO:0800448.

Allele frequency attached by ClinVar (database versions not stated): gnomAD 0.00001; gnomAD exomes 0.00001; ExAC 0.00002.
gnomAD v4.1: 14 of 1,614,060 alleles (0.00087%); highest among the groups gnomAD compares: South Asian, 0.014%; no homozygotes.

Submission:

Neuberg Centre For Genomic Medicine, NCGM
Classification: Uncertain significance for Leukoencephalopathy with vanishing white matter 1. Review status: criteria provided, single submitter. Criteria: ACMG Guidelines, 2015. Collection method: clinical testing. Allele origin: germline. Affected: yes.
Comment: The missense variant p.Q219E in EIF2B5 (NM_003907.3) has not been reported previously as a pathogenic variant nor as a benign variant, to our knowledge. The p.Q219E variant is observed in 8/30,608 (0.0261%) alleles from individuals of South Asian background in gnomAD Exomes and is novel (not in any individuals) in 1000 Genomes.The p.Q219E missense variant is predicted to be damaging by both SIFT and PolyPhen2. The nucleotide c.655 in EIF2B5 is predicted conserved by GERP++ and PhyloP across 100 vertebrates. For these reasons, this variant has been classified as Uncertain Significance.

NM_003907.3(EIF2B5):c.655C>G (p.Gln219Glu)

Gene: EIF2B5 (eukaryotic translation initiation factor 2B subunit epsilon; plus strand). Cytogenetic location: 3q27.1.
Variant type: single nucleotide variant.
Coding change: c.655C>G on transcript NM_003907.3 (MANE Select); coding-DNA position 655, C replaced by G.
Protein change: p.Gln219Glu; replaces glutamine 219 with glutamic acid.
Molecular consequence: missense variant.
Genome position (GRCh38, 1-based): chr3:184,138,046, C>G. VCF-style: chr3-184138046-C-G. GRCh37 (hg19) VCF-style: chr3-183855834-C-G.
Other names: short protein forms Q219E.
Identifiers: ClinVar variation 1878526 (VCV001878526.1), dbSNP rs377674601, ClinGen allele CA2726435.